The following is an entry in ClinVar:

NM_015512.5(DNAH1):c.3922G>A (p.Asp1308Asn)

Gene: DNAH1 (dynein axonemal heavy chain 1; plus strand). Cytogenetic location: 3p21.1.
Variant type: single nucleotide variant.
Coding change: c.3922G>A on transcript NM_015512.5 (MANE Select); coding-DNA position 3922, G replaced by A.
Protein change: p.Asp1308Asn; replaces aspartic acid 1308 with asparagine.
Molecular consequence: missense variant.
Genome position (GRCh38, 1-based): chr3:52,357,677, G>A. VCF-style: chr3-52357677-G-A. GRCh37 (hg19) VCF-style: chr3-52391693-G-A.
Other names: short protein forms D1308N.
Identifiers: ClinVar variation 3762875 (VCV003762875.2).
Genomic context (GRCh38, chr3:52,357,677, plus strand): 5'-ATCAATGTGTGTTCCGACCTGAGAATGCTGGACAGCCTGCGGGACTGCAACAAGATTCTG[G>A]ACCTGGTGCAGAAGGGCCTCAGCGAGTATCTGGAGACCAAGAGGAGCGCCTTCCCCAGGT-3'
Protein context (NP_056327.4, residues 1298-1318): DSLRDCNKIL[Asp1308Asn]LVQKGLSEYL

ClinVar aggregate classification (germline): Uncertain significance (1 of 4 stars; one submission).

Conditions:
Spermatogenic failure 18. Identifiers: MedGen C4539783, MONDO:0054615, OMIM 617576.
Ciliary dyskinesia, primary, 37 (CILD37). Also called: CILIARY DYSKINESIA, PRIMARY, 37, WITH OR WITHOUT SITUS INVERSUS. Identifiers: MedGen C4539798, MONDO:0033204, OMIM 617577.

gnomAD v4.1: 3 of 1,594,902 alleles (0.00019%); highest among the groups gnomAD compares: Admixed American, 0.0052%; no homozygotes.

Submission:

Labcorp Genetics (formerly Invitae), Labcorp
Classification: Uncertain significance for Ciliary dyskinesia, primary, 37; Spermatogenic failure 18. Last evaluated: 2024-04-04. Review status: criteria provided, single submitter. Criteria: Invitae Variant Classification Sherloc (09022015). Collection method: clinical testing. Allele origin: germline.
Comment: This sequence change replaces aspartic acid, which is acidic and polar, with asparagine, which is neutral and polar, at codon 1308 of the DNAH1 protein (p.Asp1308Asn). This variant is present in population databases (rs753495476, gnomAD 0.01%). This variant has not been reported in the literature in individuals affected with DNAH1-related conditions. Advanced modeling of protein sequence and biophysical properties (such as structural, functional, and spatial information, amino acid conservation, physicochemical variation, residue mobility, and thermodynamic stability) performed at Invitae indicates that this missense variant is not expected to disrupt DNAH1 protein function with a negative predictive value of 80%. In summary, the available evidence is currently insufficient to determine the role of this variant in disease. Therefore, it has been classified as a Variant of Uncertain Significance.